The following is an entry in ClinVar:

ClinVar aggregate classification (germline): Uncertain significance. Review status: criteria provided, multiple submitters, no conflicts (2 of 4 stars). 3 submissions from 3 submitters: Uncertain significance (3). Last evaluated 2024-04-15.

Conditions:
Nijmegen breakage syndrome-like disorder (NBSLD). Also called: MICROCEPHALY AND SPONTANEOUS CHROMOSOME INSTABILITY WITHOUT IMMUNODEFICIENCY; NBS-LIKE DISORDER; RAD50 DEFICIENCY. Identifiers: Orphanet 240760, MedGen C2751318, MONDO:0013118, OMIM 613078.
Hereditary cancer-predisposing syndrome. Also called: Neoplastic Syndromes, Hereditary; Tumor predisposition; Hereditary Cancer Syndrome; Hereditary neoplastic syndrome. Identifiers: Orphanet 140162, MedGen C0027672, MeSH D009386, MONDO:0015356.

Allele frequency attached by ClinVar (database versions not stated): gnomAD exomes below 0.00001.
gnomAD v4.1: 1 of 1,608,356 alleles (0.000062%); highest among the groups gnomAD compares: East Asian, 0.0022%; no homozygotes.

Submissions (3):

Fulgent Genetics
Classification: Uncertain significance for Nijmegen breakage syndrome-like disorder. Last evaluated: 2024-04-15. Review status: criteria provided, single submitter. Criteria: ACMG Guidelines, 2015. Collection method: clinical testing. Allele origin: germline.

Ambry Genetics
Classification: Uncertain significance for Hereditary cancer-predisposing syndrome. Last evaluated: 2022-11-02. Review status: criteria provided, single submitter. Criteria: Ambry Variant Classification Scheme 2023. Collection method: clinical testing. Allele origin: germline.
Comment: The p.E562G variant (also known as c.1685A>G), located in coding exon 11 of the RAD50 gene, results from an A to G substitution at nucleotide position 1685. The glutamic acid at codon 562 is replaced by glycine, an amino acid with similar properties. This amino acid position is well conserved in available vertebrate species. In addition, this alteration is predicted to be tolerated by in silico analysis. Since supporting evidence is limited at this time, the clinical significance of this alteration remains unclear.

Labcorp Genetics (formerly Invitae), Labcorp
Classification: Uncertain significance for Hereditary cancer-predisposing syndrome. Last evaluated: 2022-03-02. Review status: criteria provided, single submitter. Criteria: Invitae Variant Classification Sherloc (09022015). Collection method: clinical testing. Allele origin: germline.
Comment: In summary, the available evidence is currently insufficient to determine the role of this variant in disease. Therefore, it has been classified as a Variant of Uncertain Significance. Algorithms developed to predict the effect of missense changes on protein structure and function (SIFT, PolyPhen-2, Align-GVGD) all suggest that this variant is likely to be tolerated. ClinVar contains an entry for this variant (Variation ID: 819829). This variant has not been reported in the literature in individuals affected with RAD50-related conditions. This variant is not present in population databases (gnomAD no frequency). This sequence change replaces glutamic acid, which is acidic and polar, with glycine, which is neutral and non-polar, at codon 562 of the RAD50 protein (p.Glu562Gly).

NM_005732.4(RAD50):c.1685A>G (p.Glu562Gly)

Gene: RAD50 (RAD50 double strand break repair protein; plus strand). Cytogenetic location: 5q31.1.
Variant type: single nucleotide variant.
Coding change: c.1685A>G on transcript NM_005732.4 (MANE Select); coding-DNA position 1685, A replaced by G.
Protein change: p.Glu562Gly; replaces glutamic acid 562 with glycine.
Molecular consequence: missense variant.
Genome position (GRCh38, 1-based): chr5:132,591,926, A>G. VCF-style: chr5-132591926-A-G. GRCh37 (hg19) VCF-style: chr5-131927618-A-G.
Other names: short protein forms E562G.
Identifiers: ClinVar variation 819829 (VCV000819829.10), dbSNP rs1580994829, ClinGen allele CA360946430.